The following is an entry in ClinVar:

NM_130384.3(ATRIP):c.1713A>T (p.Leu571Phe)

Genes: ATRIP (ATR interacting protein; plus strand), ATRIP-TREX1 (ATRIP-TREX1 readthrough; plus strand). Cytogenetic location: 3p21.31.
Variant type: single nucleotide variant.
Coding change: c.1713A>T on transcript NM_130384.3 (MANE Select); coding-DNA position 1713, A replaced by T.
Protein change: p.Leu571Phe; replaces leucine 571 with phenylalanine.
Molecular consequence: missense variant. On other transcripts: non-coding transcript variant (1).
Genome position (GRCh38, 1-based): chr3:48,460,767, A>T. VCF-style: chr3-48460767-A-T. GRCh37 (hg19) VCF-style: chr3-48502166-A-T.
Other names: c.1332A>T, p.Leu444Phe (NM_001271022.2); c.1434A>T, p.Leu478Phe (NM_001271023.2); c.1713A>T, p.Leu571Phe (NM_032166.4); short protein forms L478F, L444F, L571F.
Identifiers: ClinVar variation 4644549 (VCV004644549.1).
Genomic context (GRCh38, chr3:48,460,767, plus strand): 5'-AGCAACAGGTCACCTTCAAGCCAGTGTCCTGACCCAGTGCCTTAAGGTTTTGGTGAAATT[A>T]GCCGAAAACACTTCCTGTGATTTCTTGCCCAGGTATTAAGCTGCATAGGAGTCATGATTC-3'
Protein context (NP_569055.1, residues 561-581): LTQCLKVLVK[Leu571Phe]AENTSCDFLP

ClinVar aggregate classification (germline): Uncertain significance (1 of 4 stars; one submission).

Submission:

Ambry Genetics
Classification: Uncertain significance. Last evaluated: 2025-10-22. Review status: criteria provided, single submitter. Criteria: Ambry Variant Classification Scheme 2023. Collection method: clinical testing. Allele origin: germline.
Comment: The p.L571F variant (also known as c.1713A>T), located in coding exon 8 of the ATRIP gene, results from an A to T substitution at nucleotide position 1713. The leucine at codon 571 is replaced by phenylalanine, an amino acid with highly similar properties. This amino acid position is conserved. In addition, the in silico prediction for this alteration is inconclusive. Based on the available evidence, the clinical significance of this variant remains unclear.